The following is an entry in ClinVar:

NM_003998.4(NFKB1):c.2759G>A (p.Arg920Gln)

Gene: NFKB1 (nuclear factor kappa B subunit 1; plus strand). Cytogenetic location: 4q24.
Variant type: single nucleotide variant.
Coding change: c.2759G>A on transcript NM_003998.4 (MANE Select); coding-DNA position 2759, G replaced by A.
Protein change: p.Arg920Gln; replaces arginine 920 with glutamine.
Molecular consequence: missense variant.
Genome position (GRCh38, 1-based): chr4:102,616,443, G>A. VCF-style: chr4-102616443-G-A. GRCh37 (hg19) VCF-style: chr4-103537600-G-A.
Other names: c.2756G>A, p.Arg919Gln (NM_001165412.2, NM_001319226.2, NM_001382627.1); c.2759G>A, p.Arg920Gln (NM_001382625.1, NM_001382626.1); c.2717G>A, p.Arg906Gln (NM_001382628.1); short protein forms R906Q, R919Q, R920Q.
Identifiers: ClinVar variation 1176031 (VCV001176031.42), dbSNP rs368962343, ClinGen allele CA3026534.
Genomic context (GRCh38, chr4:102,616,443, plus strand): 5'-CTTTTTAGAGCCCGGCCATTCCCCCAGTGAATTTGTGCTTTCTCCCCTCAGACGAGCTCC[G>A]AGACAGTGACAGTGTCTGCGACAGCGGCGTGGAGACATCCTTCCGCAAACTCAGCTTTAC-3'
Protein context (NP_003989.2, residues 910-930): ASTRQQIDEL[Arg920Gln]DSDSVCDSGV

ClinVar aggregate classification (germline): Uncertain significance. Review status: criteria provided, multiple submitters, no conflicts (2 of 4 stars). 2 submissions from 2 submitters: Uncertain significance (2). Last evaluated 2024-07-03.

Allele frequency attached by ClinVar (database versions not stated): ExAC 0.00001; gnomAD 0.00001 and 0.00002; gnomAD exomes 0.00001; TOPMed 0.00002; ESP Exome Variant Server 0.00008.
gnomAD v4.1: 15 of 1,613,816 alleles (0.00093%); highest among the groups gnomAD compares: South Asian, 0.0055%; no homozygotes.

Submissions (2):

Labcorp Genetics (formerly Invitae), Labcorp
Classification: Uncertain significance. Last evaluated: 2024-07-03. Review status: criteria provided, single submitter. Criteria: Invitae Variant Classification Sherloc (09022015). Collection method: clinical testing. Allele origin: germline.
Comment: This sequence change replaces arginine, which is basic and polar, with glutamine, which is neutral and polar, at codon 920 of the NFKB1 protein (p.Arg920Gln). This variant is present in population databases (rs368962343, gnomAD 0.003%). This variant has not been reported in the literature in individuals affected with NFKB1-related conditions. ClinVar contains an entry for this variant (Variation ID: 1176031). Algorithms developed to predict the effect of missense changes on protein structure and function output the following: SIFT: "Not Available"; PolyPhen-2: "Benign"; Align-GVGD: "Not Available". The glutamine amino acid residue is found in multiple mammalian species, which suggests that this missense change does not adversely affect protein function. In summary, the available evidence is currently insufficient to determine the role of this variant in disease. Therefore, it has been classified as a Variant of Uncertain Significance.

CeGaT Center for Human Genetics Tuebingen
Classification: Uncertain significance. Last evaluated: 2021-06-01. Review status: criteria provided, single submitter. Criteria: CeGaT Center For Human Genetics Tuebingen Variant Classification Criteria Version 2. Collection method: clinical testing. Allele origin: germline. Affected: yes. Observed: 1 variant allele.